The following is an entry in ClinVar:

ClinVar aggregate classification (germline): not provided (0 of 4 stars; one submission).

Allele frequency attached by ClinVar (database versions not stated): gnomAD exomes below 0.00001; gnomAD 0.00001 and 0.00002; TOPMed 0.00001.
gnomAD v4.1: 6 of 1,613,094 alleles (0.00037%); highest among the groups gnomAD compares: African/African-American, 0.0013%; no homozygotes.

Submission:

ITMI
No classification provided. Condition: AllHighlyPenetrant. Last evaluated: 2013-09-19. Review status: no classification provided. Collection method: reference population. Allele origin: germline.
Comment: Please see associated publication for description of ethnicities

Literature cited by the submitters: PubMed 24728327.

NM_001386298.1(CIC):c.5414C>T (p.Pro1805Leu)

Gene: CIC (capicua transcriptional repressor; plus strand). Cytogenetic location: 19q13.2.
Variant type: single nucleotide variant.
Coding change: c.5414C>T on transcript NM_001386298.1 (MANE Select); coding-DNA position 5414, C replaced by T.
Protein change: p.Pro1805Leu; replaces proline 1805 with leucine.
Molecular consequence: missense variant.
Genome position (GRCh38, 1-based): chr19:42,291,455, C>T. VCF-style: chr19-42291455-C-T. GRCh37 (hg19) VCF-style: chr19-42795607-C-T.
Other names: c.5414C>T, p.Pro1805Leu (NM_001304815.2, NM_001379480.1, NM_001379482.1); c.2687C>T, p.Pro896Leu (NM_001379484.1, NM_001379485.1, NM_015125.5); short protein forms P896L, P1805L.
Identifiers: ClinVar variation 133901 (VCV000133901.1), dbSNP rs549004026, ClinGen allele CA158120.